The following is an entry in ClinVar:

NM_001352514.2(HLCS):c.1414G>A (p.Gly472Arg)

Gene: HLCS (holocarboxylase synthetase; minus strand). Cytogenetic location: 21q22.13.
Variant type: single nucleotide variant.
Coding change: c.1414G>A on transcript NM_001352514.2 (MANE Select); coding-DNA position 1414, G replaced by A.
Protein change: p.Gly472Arg; replaces glycine 472 with arginine.
Molecular consequence: missense variant. On other transcripts: non-coding transcript variant (2).
Genome position (GRCh38, 1-based): chr21:36,936,472, C>T on the plus strand (G>A on the coding strand, the complement: HLCS is on the minus strand). VCF-style: chr21-36936472-C-T. GRCh37 (hg19) VCF-style: chr21-38308772-C-T.
Other names: c.973G>A, p.Gly325Arg (NM_000411.8, NM_001242784.3, NM_001242785.2 and 4 more transcripts); short protein forms G472R, G325R.
Identifiers: ClinVar variation 965102 (VCV000965102.7), dbSNP rs748444836, ClinGen allele CA10020579.

ClinVar aggregate classification (germline): Uncertain significance. Review status: criteria provided, single submitter (1 of 4 stars). 2 submissions from 2 submitters: Uncertain significance (1). 1 of the submissions does not count toward it. Last evaluated 2022-11-01.

Conditions:
Holocarboxylase synthetase deficiency. Also called: MULTIPLE CARBOXYLASE DEFICIENCY, EARLY ONSET. Identifiers: Orphanet 79242, MedGen C0268581, MONDO:0009666, OMIM 253270.

Allele frequency attached by ClinVar (database versions not stated): TOPMed 0.00001.
gnomAD v4.1: 20 of 1,614,024 alleles (0.0012%); highest among the groups gnomAD compares: South Asian, 0.0088%; no homozygotes.

Submissions (2):

Labcorp Genetics (formerly Invitae), Labcorp
Classification: Uncertain significance for Holocarboxylase synthetase deficiency. Last evaluated: 2022-11-01. Review status: criteria provided, single submitter. Criteria: Invitae Variant Classification Sherloc (09022015). Collection method: clinical testing. Allele origin: germline.
Comment: This sequence change replaces glycine, which is neutral and non-polar, with arginine, which is basic and polar, at codon 325 of the HLCS protein (p.Gly325Arg). This variant is present in population databases (rs748444836, gnomAD 0.006%). This variant has not been reported in the literature in individuals affected with HLCS-related conditions. ClinVar contains an entry for this variant (Variation ID: 965102). Advanced modeling of protein sequence and biophysical properties (such as structural, functional, and spatial information, amino acid conservation, physicochemical variation, residue mobility, and thermodynamic stability) performed at Invitae indicates that this missense variant is not expected to disrupt HLCS protein function. In summary, the available evidence is currently insufficient to determine the role of this variant in disease. Therefore, it has been classified as a Variant of Uncertain Significance.

Natera, Inc.
Classification: Uncertain significance for Holocarboxylase synthetase deficiency. Last evaluated: 2020-01-27. Review status: no assertion criteria provided. Collection method: clinical testing. Allele origin: germline. Not counted in ClinVar's aggregate classification.